The following is an entry in ClinVar:

NM_001382567.1(STIM1):c.350T>A (p.Val117Glu)

Gene: STIM1 (stromal interaction molecule 1; plus strand). Cytogenetic location: 11p15.4.
Variant type: single nucleotide variant.
Coding change: c.350T>A on transcript NM_001382567.1 (MANE Select); coding-DNA position 350, T replaced by A.
Protein change: p.Val117Glu; replaces valine 117 with glutamic acid.
Molecular consequence: missense variant. On other transcripts: 5 prime UTR variant (3), non-coding transcript variant (3).
Genome position (GRCh38, 1-based): chr11:4,023,952, T>A. VCF-style: chr11-4023952-T-A. GRCh37 (hg19) VCF-style: chr11-4045182-T-A.
Other names: c.350T>A, p.Val117Glu (NM_001277961.3, NM_001277962.2, NM_001382568.1 and 3 more transcripts); c.128T>A, p.Val43Glu (NM_001382566.1, NM_001382573.1, NM_001382574.1 and 5 more transcripts); c.215T>A, p.Val72Glu (NM_001382569.1); c.-19T>A (NM_001382571.1); c.-140T>A (NM_001382580.1, NM_001382581.1); short protein forms V117E, V43E, V72E.
Identifiers: ClinVar variation 3757663 (VCV003757663.2).

ClinVar aggregate classification (germline): Uncertain significance (1 of 4 stars; one submission).

Conditions:
Myopathy with tubular aggregates (TAM). Also called: Tubular Aggregate Myopathy. Identifiers: Orphanet 2593, MedGen C0410207, MONDO:0008051.
Combined immunodeficiency due to STIM1 deficiency. Also called: IMMUNODEFICIENCY 10; STIM1 DEFICIENCY. Identifiers: Orphanet 169090, Orphanet 317430, MedGen C2748557, MONDO:0013008, OMIM 612783.
Stormorken syndrome (STRMK). Also called: THROMBOCYTOPATHY, ASPLENIA, AND MIOSIS. Identifiers: Orphanet 3204, MedGen C1861451, MONDO:0008497, OMIM 185070.

gnomAD v4.1: 3 of 1,614,064 alleles (0.00019%); highest among the groups gnomAD compares: South Asian, 0.0033%; no homozygotes.

Submission:

Labcorp Genetics (formerly Invitae), Labcorp
Classification: Uncertain significance for Myopathy with tubular aggregates; Combined immunodeficiency due to STIM1 deficiency; Stormorken syndrome. Last evaluated: 2024-08-31. Review status: criteria provided, single submitter. Criteria: Invitae Variant Classification Sherloc (09022015). Collection method: clinical testing. Allele origin: germline.
Comment: This sequence change replaces valine, which is neutral and non-polar, with glutamic acid, which is acidic and polar, at codon 117 of the STIM1 protein (p.Val117Glu). This variant is not present in population databases (gnomAD no frequency). This variant has not been reported in the literature in individuals affected with STIM1-related conditions. Invitae Evidence Modeling of protein sequence and biophysical properties (such as structural, functional, and spatial information, amino acid conservation, physicochemical variation, residue mobility, and thermodynamic stability) indicates that this missense variant is expected to disrupt STIM1 protein function with a positive predictive value of 80%. In summary, the available evidence is currently insufficient to determine the role of this variant in disease. Therefore, it has been classified as a Variant of Uncertain Significance.